The following is an entry in ClinVar:

ClinVar aggregate classification (germline): Uncertain significance (1 of 4 stars; one submission).

Submission:

Ambry Genetics
Classification: Uncertain significance. Last evaluated: 2025-06-30. Review status: criteria provided, single submitter. Criteria: Ambry Variant Classification Scheme 2023. Collection method: clinical testing. Allele origin: germline.
Comment: The p.F125S variant (also known as c.374T>C), located in coding exon 1 of the TET2 gene, results from a T to C substitution at nucleotide position 374. The phenylalanine at codon 125 is replaced by serine, an amino acid with highly dissimilar properties. This amino acid position is conserved. In addition, this alteration is predicted to be tolerated by in silico analysis. Based on the available evidence, the clinical significance of this variant remains unclear.

NM_001127208.3(TET2):c.374T>C (p.Phe125Ser)

Genes: TET2 (tet methylcytosine dioxygenase 2; plus strand), TET2-AS1 (TET2 antisense RNA 1; minus strand). Cytogenetic location: 4q24.
Variant type: single nucleotide variant.
Coding change: c.374T>C on transcript NM_001127208.3 (MANE Select); coding-DNA position 374, T replaced by C.
Protein change: p.Phe125Ser; replaces phenylalanine 125 with serine.
Molecular consequence: missense variant.
Genome position (GRCh38, 1-based): chr4:105,234,316, T>C. VCF-style: chr4-105234316-T-C. GRCh37 (hg19) VCF-style: chr4-106155473-T-C.
Other names: c.374T>C, p.Phe125Ser (NM_017628.4); short protein forms F125S.
Identifiers: ClinVar variation 4182940 (VCV004182940.1).
Genomic context (GRCh38, chr4:105,234,316, plus strand): 5'-GGCTCCTTCAGATCAAGAAATTGAAACAAGACCAAAAGGCTAATGGAGAAAGACGTAACT[T>C]CGGGGTAAGCCAAGAAAGAAATCCAGGTGAAAGCAGTCAACCAAATGTCTCCGATTTGAG-3'
Protein context (NP_001120680.1, residues 115-135): DQKANGERRN[Phe125Ser]GVSQERNPGE